The following is an entry in ClinVar:

ClinVar aggregate classification (germline): Uncertain significance (1 of 4 stars; one submission).

Conditions:
Developmental and epileptic encephalopathy, 33 (DEE33). Also called: Epileptic encephalopathy, early infantile, 33. Identifiers: Orphanet 442835, MedGen C4225337, MONDO:0014625, OMIM 616409.

Submission:

Labcorp Genetics (formerly Invitae), Labcorp
Classification: Uncertain significance for Developmental and epileptic encephalopathy, 33. Last evaluated: 2024-05-19. Review status: criteria provided, single submitter. Criteria: Invitae Variant Classification Sherloc (09022015). Collection method: clinical testing. Allele origin: germline.
Comment: This sequence change replaces glycine, which is neutral and non-polar, with arginine, which is basic and polar, at codon 257 of the EEF1A2 protein (p.Gly257Arg). This variant is not present in population databases (gnomAD no frequency). This variant has not been reported in the literature in individuals affected with EEF1A2-related conditions. Advanced modeling of protein sequence and biophysical properties (such as structural, functional, and spatial information, amino acid conservation, physicochemical variation, residue mobility, and thermodynamic stability) performed at Invitae indicates that this missense variant is not expected to disrupt EEF1A2 protein function with a negative predictive value of 80%. In summary, the available evidence is currently insufficient to determine the role of this variant in disease. Therefore, it has been classified as a Variant of Uncertain Significance.

NM_001958.5(EEF1A2):c.769G>C (p.Gly257Arg)

Gene: EEF1A2 (eukaryotic translation elongation factor 1 alpha 2; minus strand). Cytogenetic location: 20q13.33.
Variant type: single nucleotide variant.
Coding change: c.769G>C on transcript NM_001958.5 (MANE Select); coding-DNA position 769, G replaced by C.
Protein change: p.Gly257Arg; replaces glycine 257 with arginine.
Molecular consequence: missense variant.
Genome position (GRCh38, 1-based): chr20:63,493,140, C>G on the plus strand (G>C on the coding strand, the complement: EEF1A2 is on the minus strand). VCF-style: chr20-63493140-C-G. GRCh37 (hg19) VCF-style: chr20-62124493-C-G.
Other names: short protein forms G257R.
Identifiers: ClinVar variation 3653859 (VCV003653859.2).
Genomic context (GRCh38, chr20:63,493,140, plus strand): 5'-GGTCTAGGGCAGGCAGAGCTGGCCAGGCAGGAGCTCCAGCACAGCGCCCTTGCTCACCGC[C>G]AATCTTGTACACGTCCTGCAGCGGCAGGCGCAGGGGCTTGTCCGTGGGGCGCGTGGGGGG-3'
Protein context (NP_001949.1, residues 247-267): RLPLQDVYKI[Gly257Arg]GIGTVPVGRV